The following is an entry in ClinVar:

NM_001005388.3(NFASC):c.2260A>C (p.Thr754Pro)

Gene: NFASC (neurofascin; plus strand). Cytogenetic location: 1q32.1.
Variant type: single nucleotide variant.
Coding change: c.2260A>C on transcript NM_001005388.3 (MANE Select); coding-DNA position 2260, A replaced by C.
Protein change: p.Thr754Pro; replaces threonine 754 with proline.
Molecular consequence: missense variant.
Genome position (GRCh38, 1-based): chr1:204,981,810, A>C. VCF-style: chr1-204981810-A-C. GRCh37 (hg19) VCF-style: chr1-204950938-A-C.
Other names: c.2293A>C, p.Thr765Pro (NM_001160331.2); c.2248A>C, p.Thr750Pro (NM_001160332.2, NM_001365986.1, NM_015090.4); c.2260A>C, p.Thr754Pro (NM_001378329.1); short protein forms T754P, T750P, T765P.
Identifiers: ClinVar variation 2228713 (VCV002228713.2), dbSNP rs2095514993, ClinGen allele CA344396077.

ClinVar aggregate classification (germline): Uncertain significance (1 of 4 stars; one submission).

Conditions:
Inborn genetic diseases. Identifiers: MedGen C0950123, MeSH D030342.

Allele frequency attached by ClinVar (database versions not stated): TOPMed below 0.00001.

Submission:

Ambry Genetics
Classification: Uncertain significance for Inborn genetic diseases. Last evaluated: 2021-01-06. Review status: criteria provided, single submitter. Criteria: Ambry Variant Classification Scheme 2023. Collection method: clinical testing. Allele origin: germline.
Comment: The c.2260A>C (p.T754P) alteration is located in exon 21 (coding exon 19) of the NFASC gene. This alteration results from a A to C substitution at nucleotide position 2260, causing the threonine (T) at amino acid position 754 to be replaced by a proline (P). The p.T754P alteration is predicted to be tolerated by in silico analysis. Based on insufficient or conflicting evidence, the clinical significance of this alteration remains unclear.